The following is an entry in ClinVar:

NM_006393.3(NEBL):c.2507G>A (p.Gly836Glu)

Gene: NEBL (nebulette; minus strand). Cytogenetic location: 10p12.31.
Variant type: single nucleotide variant.
Coding change: c.2507G>A on transcript NM_006393.3 (MANE Select); coding-DNA position 2507, G replaced by A.
Protein change: p.Gly836Glu; replaces glycine 836 with glutamic acid.
Molecular consequence: missense variant.
Genome position (GRCh38, 1-based): chr10:20,812,780, C>T on the plus strand (G>A on the coding strand, the complement: NEBL is on the minus strand). VCF-style: chr10-20812780-C-T. GRCh37 (hg19) VCF-style: chr10-21101709-C-T.
Other names: c.518G>A, p.Gly173Glu (NM_001173484.2, NM_001377322.1, NM_213569.2); c.470G>A, p.Gly157Glu (NM_001377323.1); c.461G>A, p.Gly154Glu (NM_001377324.1); c.452G>A, p.Gly151Glu (NM_001377325.1); c.410G>A, p.Gly137Glu (NM_001377326.1, NM_001377327.1, NM_001377328.1); c.2507G>A (NM_006393.2); short protein forms G137E, G151E, G154E, G157E, G173E, G836E.
Identifiers: ClinVar variation 1056914 (VCV001056914.9), dbSNP rs768915725, ClinGen allele CA5432473.

ClinVar aggregate classification (germline): Uncertain significance. Review status: criteria provided, multiple submitters, no conflicts (2 of 4 stars). 2 submissions from 2 submitters: Uncertain significance (2). Last evaluated 2025-04-22.

Conditions:
Primary dilated cardiomyopathy (DCM). Also called: Dilated Cardiomyopathy. Identifiers: Orphanet 217604, MedGen C0007193, MeSH D002311, MONDO:0005021, HP:0001644. Inheritance: Various modes of inheritance.

Allele frequency attached by ClinVar (database versions not stated): gnomAD 0.00001; gnomAD exomes 0.00002 and 0.00003; TOPMed 0.00002; ExAC 0.00003.
gnomAD v4.1: 33 of 1,613,830 alleles (0.002%); highest among the groups gnomAD compares: Non-Finnish European, 0.00085%; no homozygotes.

Submissions (2):

Ambry Genetics
Classification: Uncertain significance. Last evaluated: 2025-04-22. Review status: criteria provided, single submitter. Criteria: Ambry Variant Classification Scheme 2023. Collection method: clinical testing. Allele origin: germline.

Labcorp Genetics (formerly Invitae), Labcorp
Classification: Uncertain significance for Primary dilated cardiomyopathy. Last evaluated: 2022-08-25. Review status: criteria provided, single submitter. Criteria: Invitae Variant Classification Sherloc (09022015). Collection method: clinical testing. Allele origin: germline.
Comment: This sequence change replaces glycine, which is neutral and non-polar, with glutamic acid, which is acidic and polar, at codon 836 of the NEBL protein (p.Gly836Glu). This variant is present in population databases (rs768915725, gnomAD 0.06%), and has an allele count higher than expected for a pathogenic variant. This variant has not been reported in the literature in individuals affected with NEBL-related conditions. ClinVar contains an entry for this variant (Variation ID: 1056914). Algorithms developed to predict the effect of missense changes on protein structure and function are either unavailable or do not agree on the potential impact of this missense change (SIFT: "Deleterious"; PolyPhen-2: "Benign"; Align-GVGD: "Class C0"). In summary, the available evidence is currently insufficient to determine the role of this variant in disease. Therefore, it has been classified as a Variant of Uncertain Significance.